The following is an entry in ClinVar:

NM_001379200.1(TBX1):c.1196G>A (p.Gly399Glu)

Gene: TBX1 (T-box transcription factor 1; plus strand). Cytogenetic location: 22q11.21.
Variant type: single nucleotide variant.
Coding change: c.1196G>A on transcript NM_001379200.1 (MANE Select); coding-DNA position 1196, G replaced by A.
Protein change: p.Gly399Glu; replaces glycine 399 with glutamic acid.
Molecular consequence: missense variant. On other transcripts: intron variant (2).
Genome position (GRCh38, 1-based): chr22:19,766,548, G>A. VCF-style: chr22-19766548-G-A. GRCh37 (hg19) VCF-style: chr22-19754071-G-A.
Other names: c.1169G>A, p.Gly390Glu (NM_080647.1); c.1009+546G>A (NM_005992.1, NM_080646.2); short protein forms G390E, G399E.
Identifiers: ClinVar variation 565634 (VCV000565634.9), dbSNP rs1274082696, ClinGen allele CA410684478.

ClinVar aggregate classification (germline): Uncertain significance. Review status: criteria provided, multiple submitters, no conflicts (2 of 4 stars). 2 submissions from 2 submitters: Uncertain significance (2). Last evaluated 2025-10-22.

Conditions:
DiGeorge syndrome. Also called: Catch22; THIRD AND FOURTH PHARYNGEAL POUCH SYNDROME. Identifiers: Orphanet 567, MedGen C0012236, MONDO:0008564, OMIM 188400.

Submissions (2):

Greenwood Genetic Center Diagnostic Laboratories, Greenwood Genetic Center
Classification: Uncertain significance. Last evaluated: 2025-10-22. Review status: criteria provided, single submitter. Criteria: ACMG Guidelines, 2015. Collection method: clinical testing. Allele origin: germline. Affected: yes.
Comment: PM2, BP4

Labcorp Genetics (formerly Invitae), Labcorp
Classification: Uncertain significance for DiGeorge syndrome. Last evaluated: 2018-01-03. Review status: criteria provided, single submitter. Criteria: Invitae Variant Classification Sherloc (09022015). Collection method: clinical testing. Allele origin: germline.
Comment: In summary, the available evidence is currently insufficient to determine the role of this variant in disease. Therefore, it has been classified as a Variant of Uncertain Significance. Algorithms developed to predict the effect of missense changes on protein structure and function do not agree on the potential impact of this missense change (SIFT: "Deleterious"; PolyPhen-2: "Benign"; Align-GVGD: "Class C0"). This variant has not been reported in the literature in individuals with TBX1-related disease. While this variant is not present in population databases, the frequency information is unreliable, as metrics indicate poor data quality at this position in the ExAC database. This sequence change replaces glycine with glutamic acid at codon 390 of the TBX1 protein (p.Gly390Glu). The glycine residue is moderately conserved and there is a moderate physicochemical difference between glycine and glutamic acid.